The following is an entry in ClinVar:

ClinVar aggregate classification (germline): Uncertain significance (1 of 4 stars; one submission).

gnomAD v4.1: 1 of 1,613,262 alleles (0.000062%); highest among the groups gnomAD compares: African/African-American, 0.0013%; no homozygotes.

Submission:

GeneDx
Classification: Uncertain significance. Last evaluated: 2023-01-27. Review status: criteria provided, single submitter. Criteria: GeneDx Variant Classification Process June 2021. Collection method: clinical testing. Allele origin: germline. Affected: yes.
Comment: Not observed at significant frequency in large population cohorts (gnomAD); In silico analysis supports a deleterious effect on splicing; Has not been previously published as pathogenic or benign to our knowledge

NM_001252102.2(KIF21B):c.4615-3C>G

Gene: KIF21B (kinesin family member 21B; minus strand). Cytogenetic location: 1q32.1.
Variant type: single nucleotide variant.
Coding change: c.4615-3C>G on transcript NM_001252102.2 (MANE Select); 3 bases into the intron before coding-DNA position 4615, C replaced by G.
Molecular consequence: intron variant.
Genome position (GRCh38, 1-based): chr1:200,974,916, G>C on the plus strand (C>G on the coding strand, the complement: KIF21B is on the minus strand). VCF-style: chr1-200974916-G-C. GRCh37 (hg19) VCF-style: chr1-200944044-G-C.
Other names: c.4576-3C>G (NM_001252103.2, NM_017596.4); c.4615-3C>G (NM_001252100.2).
Identifiers: ClinVar variation 2574179 (VCV002574179.1), dbSNP rs200282109, ClinGen allele CA730080490.
Genomic context (GRCh38, chr1:200,974,916, plus strand): 5'-GGCGGCCCGGGATGAAGGCCAGGGCGCACACCCAGTCCTTGTGCGCATTGGGGATTTGCT[G>C]TGAGAGGATCAGGGCTGGTGAGGGCTGGGGGAGGTGATGAGGGAGAGAACCTGCCCCAGG-3'